The following is an entry in ClinVar:

NM_001113378.2(FANCI):c.2248T>C (p.Cys750Arg)

Gene: FANCI (FA complementation group I; plus strand). Cytogenetic location: 15q26.1.
Variant type: single nucleotide variant.
Coding change: c.2248T>C on transcript NM_001113378.2 (MANE Select); coding-DNA position 2248, T replaced by C.
Protein change: p.Cys750Arg; replaces cysteine 750 with arginine.
Molecular consequence: missense variant.
Genome position (GRCh38, 1-based): chr15:89,293,020, T>C. VCF-style: chr15-89293020-T-C. GRCh37 (hg19) VCF-style: chr15-89836251-T-C.
Other names: c.1969T>C, p.Cys657Arg (NM_001376910.1); c.2248T>C, p.Cys750Arg (NM_001376911.1, NM_018193.3); short protein forms C657R, C750R.
Identifiers: ClinVar variation 929727 (VCV000929727.1), dbSNP rs2054124504, ClinGen allele CA393749427.

ClinVar aggregate classification (germline): Pathogenic (0 of 4 stars; one submission).

Conditions:
Fanconi anemia complementation group I (FANCI). Also called: FANCI-Related Fanconi Anemia. Identifiers: Orphanet 84, MedGen C1836861, MONDO:0012186, OMIM 609053.

Submission:

Leiden Open Variation Database
Classification: Pathogenic for Fanconi anemia complementation group I. Last evaluated: 2011-02-07. Review status: no assertion criteria provided. Collection method: curation. Allele origin: germline. Affected: yes.
Comment: Curator: Arleen D. Auerbach. Submitter to LOVD: Arleen D. Auerbach.